The following is an entry in ClinVar:

NM_000238.4(KCNH2):c.303del (p.Asp102fs)

Gene: KCNH2 (potassium voltage-gated channel subfamily H member 2; minus strand). Cytogenetic location: 7q36.1.
Variant type: Deletion.
Coding change: c.303del on transcript NM_000238.4 (MANE Select); coding-DNA position 303, one base deleted (A; older notation c.303delA).
Protein change: p.Asp102fs; shifts the reading frame from aspartic acid 102.
Molecular consequence: frameshift variant. On other transcripts: non-coding transcript variant (1).
Genome position (GRCh38, 1-based): chr7:150,974,715, T deleted on the plus strand (A on the coding strand, the reverse complement: KCNH2 is on the minus strand); the first of 3 consecutive T bases (chr7:150,974,715-150,974,717); deleting any one gives the same sequence. VCF-style (leftmost placement, unchanged base first): chr7-150974714-CT-C. GRCh37 (hg19) VCF-style: chr7-150671802-CT-C.
Other names: c.126del, p.Asp43fs (NM_001406755.1); c.303del, p.Asp102fs (NM_172056.3); short protein forms D102fs, D43fs.
Identifiers: ClinVar variation 4733133 (VCV004733133.1).
Genomic context (GRCh38, chr7:150,974,714, plus strand): 5'-GGTCCCGCCCCTCTTGACCCCGCCCCTGGTCGTGGCCCCGCCCCGGCCCGCTCCTACCAT[CT>C]TTCCGGTAGAAGGCGATTTCCACTTTGCGCTCCTCGGCGCCCAGCAGTGCCTGCGCGATC-3'

ClinVar aggregate classification (germline): Pathogenic (1 of 4 stars; one submission).

Conditions:
Long QT syndrome (LQTS). Identifiers: MedGen C0023976, MeSH D008133, MONDO:0002442. Disease mechanism: loss of function. Inheritance: Various modes of inheritance.

Submission:

Labcorp Genetics (formerly Invitae), Labcorp
Classification: Pathogenic for Long QT syndrome. Last evaluated: 2025-12-20. Review status: criteria provided, single submitter. Criteria: Invitae Variant Classification Sherloc (09022015). Collection method: clinical testing. Allele origin: germline.
Comment: This sequence change creates a premature translational stop signal (p.Asp102Metfs*14) in the KCNH2 gene. It is expected to result in an absent or disrupted protein product. Loss-of-function variants in KCNH2 are known to be pathogenic (PMID: 10973849, 19862833). This variant is not present in population databases (gnomAD no frequency). This premature translational stop signal has been observed in individual(s) with KCNH2-related conditions (PMID: 26688388). For these reasons, this variant has been classified as Pathogenic.

Literature cited by the submitters: PubMed 10973849; PubMed 19862833; PubMed 26688388.